The following is an entry in ClinVar:

ClinVar aggregate classification (germline): Uncertain significance. Review status: criteria provided, multiple submitters, no conflicts (2 of 4 stars). 4 submissions from 4 submitters: Uncertain significance (3). 1 of the submissions does not count toward it. Last evaluated 2025-08-20.

Conditions:
POLE-related disorder. Also called: POLE-related condition; POLE-related disorders.
Hereditary cancer-predisposing syndrome. Also called: Neoplastic Syndromes, Hereditary; Tumor predisposition; Hereditary neoplastic syndrome; Hereditary Cancer Syndrome. Identifiers: Orphanet 140162, MedGen C0027672, MeSH D009386, MONDO:0015356.

Allele frequency attached by ClinVar (database versions not stated): TOPMed below 0.00001; ExAC 0.00001; gnomAD 0.00001 and 0.00002; gnomAD exomes 0.00001.
gnomAD v4.1: 10 of 1,613,652 alleles (0.00062%); highest among the groups gnomAD compares: African/African-American, 0.004%; no homozygotes.

Submissions (4):

Labcorp Genetics (formerly Invitae), Labcorp
Classification: Uncertain significance. Last evaluated: 2025-08-20. Review status: criteria provided, single submitter. Criteria: Invitae Variant Classification Sherloc (09022015). Collection method: clinical testing. Allele origin: germline.
Comment: This sequence change replaces methionine, which is neutral and non-polar, with threonine, which is neutral and polar, at codon 820 of the POLE protein (p.Met820Thr). This variant is present in population databases (rs767460640, gnomAD 0.004%). This variant has not been reported in the literature in individuals affected with POLE-related conditions. ClinVar contains an entry for this variant (Variation ID: 579641). Invitae Evidence Modeling of protein sequence and biophysical properties (such as structural, functional, and spatial information, amino acid conservation, physicochemical variation, residue mobility, and thermodynamic stability) indicates that this missense variant is expected to disrupt POLE protein function with a positive predictive value of 80%. In summary, the available evidence is currently insufficient to determine the role of this variant in disease. Therefore, it has been classified as a Variant of Uncertain Significance.

Ambry Genetics
Classification: Uncertain significance for Hereditary cancer-predisposing syndrome. Last evaluated: 2024-12-23. Review status: criteria provided, single submitter. Criteria: Ambry Variant Classification Scheme 2023. Collection method: clinical testing. Allele origin: germline.
Comment: The p.M820T variant (also known as c.2459T>C), located in coding exon 21 of the POLE gene, results from a T to C substitution at nucleotide position 2459. The methionine at codon 820 is replaced by threonine, an amino acid with similar properties. This amino acid position is highly conserved in available vertebrate species. In addition, this alteration is predicted to be deleterious by in silico analysis. Based on the available evidence, the clinical significance of this variant remains unclear.

GeneDx
Classification: Uncertain significance. Last evaluated: 2023-02-09. Review status: criteria provided, single submitter. Criteria: GeneDx Variant Classification Process June 2021. Collection method: clinical testing. Allele origin: germline. Affected: yes.
Comment: Not observed at significant frequency in large population cohorts (gnomAD); In silico analysis supports that this missense variant has a deleterious effect on protein structure/function; Observed in an individual with breast cancer (Dominguez-Valentin et al., 2018); This variant is associated with the following publications: (PMID: 20951805, 29056344, 29371908)

PreventionGenetics, part of Exact Sciences
Classification: Uncertain significance for POLE-related condition. Last evaluated: 2024-07-22. Review status: no assertion criteria provided. Collection method: clinical testing. Allele origin: germline. Not counted in ClinVar's aggregate classification.
Comment: The POLE c.2459T>C variant is predicted to result in the amino acid substitution p.Met820Thr. This variant has been reported in a cohort study of individuals with breast and/or gynecological cancer: however, no clinical details were provided (Table 2, Dominguez-Valentin et al. 2018. PubMed ID: 29371908). This variant is reported in 2 of ~251,000 alleles in gnomAD, and is interpreted as a variant of uncertain significance in ClinVar. At this time, the clinical significance of this variant is uncertain due to the absence of conclusive functional and genetic evidence.

NM_006231.4(POLE):c.2459T>C (p.Met820Thr)

Gene: POLE (DNA polymerase epsilon, catalytic subunit; minus strand). Cytogenetic location: 12q24.33.
Variant type: single nucleotide variant.
Coding change: c.2459T>C on transcript NM_006231.4 (MANE Select); coding-DNA position 2459, T replaced by C.
Protein change: p.Met820Thr; replaces methionine 820 with threonine.
Molecular consequence: missense variant.
Genome position (GRCh38, 1-based): chr12:132,665,311, A>G on the plus strand (T>C on the coding strand, the complement: POLE is on the minus strand). VCF-style: chr12-132665311-A-G. GRCh37 (hg19) VCF-style: chr12-133241897-A-G.
Other names: c.2459T>C (NM_006231.2); short protein forms M820T.
Identifiers: ClinVar variation 579641 (VCV000579641.14), dbSNP rs767460640, ClinGen allele CA6893558.